The following is an entry in ClinVar:

NM_001029883.3(PCARE):c.1256T>C (p.Met419Thr)

Gene: PCARE (photoreceptor cilium actin regulator; minus strand). Cytogenetic location: 2p23.2.
Variant type: single nucleotide variant.
Coding change: c.1256T>C on transcript NM_001029883.3 (MANE Select); coding-DNA position 1256, T replaced by C.
Protein change: p.Met419Thr; replaces methionine 419 with threonine.
Molecular consequence: missense variant.
Genome position (GRCh38, 1-based): chr2:29,073,006, A>G on the plus strand (T>C on the coding strand, the complement: PCARE is on the minus strand). VCF-style: chr2-29073006-A-G. GRCh37 (hg19) VCF-style: chr2-29295872-A-G.
Other names: short protein forms M419T.
Identifiers: ClinVar variation 1470833 (VCV001470833.8), dbSNP rs1667520751, ClinGen allele CA346480572.

ClinVar aggregate classification (germline): Uncertain significance (1 of 4 stars; one submission).

Allele frequency attached by ClinVar (database versions not stated): gnomAD exomes below 0.00001.
gnomAD v4.1: 1 of 1,614,124 alleles (0.000062%); highest among the groups gnomAD compares: South Asian, 0.0011%; no homozygotes.

Submission:

Labcorp Genetics (formerly Invitae), Labcorp
Classification: Uncertain significance. Last evaluated: 2020-12-22. Review status: criteria provided, single submitter. Criteria: Invitae Variant Classification Sherloc (09022015). Collection method: clinical testing. Allele origin: germline.
Comment: In summary, the available evidence is currently insufficient to determine the role of this variant in disease. Therefore, it has been classified as a Variant of Uncertain Significance. Algorithms developed to predict the effect of missense changes on protein structure and function output the following: SIFT: "Tolerated"; PolyPhen-2: "Benign"; Align-GVGD: "Class C0". The threonine amino acid residue is found in multiple mammalian species, suggesting that this missense change does not adversely affect protein function. These predictions have not been confirmed by published functional studies and their clinical significance is uncertain. This variant has not been reported in the literature in individuals with PCARE-related conditions. This variant is not present in population databases (ExAC no frequency). This sequence change replaces methionine with threonine at codon 419 of the PCARE protein (p.Met419Thr). The methionine residue is moderately conserved and there is a moderate physicochemical difference between methionine and threonine.